The following is an entry in ClinVar:

ClinVar aggregate classification (germline): Uncertain significance (0 of 4 stars; one submission).

Conditions:
SEMA3B-related disorder. Also called: SEMA3B-related condition.

gnomAD v4.1: 12 of 1,537,122 alleles (0.00078%); highest among the groups gnomAD compares: Non-Finnish European, 0.001%; no homozygotes.

Submission:

PreventionGenetics, part of Exact Sciences
Classification: Uncertain significance for SEMA3B-related condition. Last evaluated: 2024-08-05. Review status: no assertion criteria provided. Collection method: clinical testing. Allele origin: germline.
Comment: The SEMA3B c.22G>T variant is predicted to result in the amino acid substitution p.Ala8Ser. To our knowledge, this variant has not been reported in the literature. This variant is reported in 0.0019% of alleles in individuals of European (Non-Finnish) descent in gnomAD. At this time, the clinical significance of this variant is uncertain due to the absence of conclusive functional and genetic evidence.

NM_001290060.2(SEMA3B):c.22G>T (p.Ala8Ser)

Gene: SEMA3B (semaphorin 3B; plus strand). Cytogenetic location: 3p21.31.
Variant type: single nucleotide variant.
Coding change: c.22G>T on transcript NM_001290060.2 (MANE Select); coding-DNA position 22, G replaced by T.
Protein change: p.Ala8Ser; replaces alanine 8 with serine.
Molecular consequence: missense variant.
Genome position (GRCh38, 1-based): chr3:50,269,262, G>T. VCF-style: chr3-50269262-G-T. GRCh37 (hg19) VCF-style: chr3-50306694-G-T.
Other names: c.22G>T, p.Ala8Ser (NM_001005914.3, NM_001290061.1, NM_004636.4); short protein forms A8S.
Identifiers: ClinVar variation 3357871 (VCV003357871.1).